The following is an entry in ClinVar:

NM_000465.4(BARD1):c.1673C>G (p.Ser558Ter)

Gene: BARD1 (BRCA1 associated RING domain 1; minus strand). Cytogenetic location: 2q35.
Variant type: single nucleotide variant.
Coding change: c.1673C>G on transcript NM_000465.4 (MANE Select); coding-DNA position 1673, C replaced by G.
Protein change: p.Ser558Ter; replaces serine 558 with a stop codon.
Molecular consequence: nonsense. On other transcripts: non-coding transcript variant (3), intron variant (1).
Genome position (GRCh38, 1-based): chr2:214,752,451, G>C on the plus strand (C>G on the coding strand, the complement: BARD1 is on the minus strand). VCF-style: chr2-214752451-G-C. GRCh37 (hg19) VCF-style: chr2-215617175-G-C.
Other names: c.1616C>G, p.Ser539Ter (NM_001282543.2); c.320C>G, p.Ser107Ter (NM_001282545.2); c.263C>G, p.Ser88Ter (NM_001282548.2); c.365-21943C>G (NM_001282549.2); short protein forms S107*, S539*, S558*, S88*.
Identifiers: ClinVar variation 2673878 (VCV002673878.1), dbSNP rs1416123568, ClinGen allele CA350454518.

ClinVar aggregate classification (germline): Pathogenic (1 of 4 stars; one submission).

Conditions:
Familial cancer of breast. Also called: Hereditary breast cancer; BREAST CANCER, FAMILIAL; hereditary breast carcinoma. Identifiers: Orphanet 227535, MedGen C0346153, MONDO:0016419, OMIM 114480. Disease mechanism: loss of function.

Submission:

Myriad Genetics, Inc.
Classification: Pathogenic for Familial cancer of breast. Last evaluated: 2023-08-22. Review status: criteria provided, single submitter. Criteria: Myriad Autosomal Dominant, Autosomal Recessive and X-Linked Classification Criteria (2023). Collection method: clinical testing. Allele origin: unknown.
Comment: This variant is considered pathogenic. This variant creates a termination codon and is predicted to result in premature protein truncation.